The following is an entry in ClinVar:

ClinVar aggregate classification (germline): Uncertain significance. Review status: criteria provided, multiple submitters, no conflicts (2 of 4 stars). 2 submissions from 2 submitters: Uncertain significance (2). Last evaluated 2025-02-09.

Allele frequency attached by ClinVar (database versions not stated): gnomAD exomes below 0.00001.
gnomAD v4.1: 17 of 1,610,032 alleles (0.0011%); highest among the groups gnomAD compares: East Asian, 0.0022%; no homozygotes.

Submissions (2):

GeneDx
Classification: Uncertain significance. Last evaluated: 2025-02-09. Review status: criteria provided, single submitter. Criteria: GeneDx Variant Classification Process June 2021. Collection method: clinical testing. Allele origin: germline. Affected: yes.
Comment: Not observed at significant frequency in large population cohorts (gnomAD); In silico analysis supports that this missense variant has a deleterious effect on protein structure/function; Has not been previously published as pathogenic or benign to our knowledge

Mayo Clinic Laboratories, Mayo Clinic
Classification: Uncertain significance. Last evaluated: 2021-10-08. Review status: criteria provided, single submitter. Criteria: ACMG Guidelines, 2015. Collection method: clinical testing. Allele origin: germline.

NM_002972.4(SBF1):c.3655G>A (p.Gly1219Ser)

Gene: SBF1 (SET binding factor 1; minus strand). Cytogenetic location: 22q13.33.
Variant type: single nucleotide variant.
Coding change: c.3655G>A on transcript NM_002972.4 (MANE Select); coding-DNA position 3655, G replaced by A.
Protein change: p.Gly1219Ser; replaces glycine 1219 with serine.
Molecular consequence: missense variant.
Genome position (GRCh38, 1-based): chr22:50,459,503, C>T on the plus strand (G>A on the coding strand, the complement: SBF1 is on the minus strand). VCF-style: chr22-50459503-C-T. GRCh37 (hg19) VCF-style: chr22-50897932-C-T.
Other names: p.Gly1219Ser; c.3658G>A, p.Gly1220Ser (NM_001365819.1); c.3655G>A (NM_002972.2); short protein forms G1219S, G1220S.
Identifiers: ClinVar variation 1693780 (VCV001693780.5), dbSNP rs1486209438, ClinGen allele CA412203912.